The following is an entry in ClinVar:

NM_005445.4(SMC3):c.1960G>A (p.Glu654Lys)

Gene: SMC3 (structural maintenance of chromosomes 3; plus strand). Cytogenetic location: 10q25.2.
Variant type: single nucleotide variant.
Coding change: c.1960G>A on transcript NM_005445.4 (MANE Select); coding-DNA position 1960, G replaced by A.
Protein change: p.Glu654Lys; replaces glutamic acid 654 with lysine.
Molecular consequence: missense variant.
Genome position (GRCh38, 1-based): chr10:110,593,220, G>A. VCF-style: chr10-110593220-G-A. GRCh37 (hg19) VCF-style: chr10-112352978-G-A.
Other names: short protein forms E654K.
Identifiers: ClinVar variation 3381569 (VCV003381569.1).

ClinVar aggregate classification (germline): Uncertain significance (1 of 4 stars; one submission).

Submission:

GeneDx
Classification: Uncertain significance. Last evaluated: 2024-05-20. Review status: criteria provided, single submitter. Criteria: GeneDx Variant Classification Process June 2021. Collection method: clinical testing. Allele origin: germline. Affected: yes.
Comment: Not observed at significant frequency in large population cohorts (gnomAD); In silico analysis supports that this missense variant has a deleterious effect on protein structure/function; Has not been previously published as pathogenic or benign to our knowledge